The following is an entry in ClinVar:

ClinVar aggregate classification (germline): Likely benign. Review status: criteria provided, multiple submitters, no conflicts (2 of 4 stars). 2 submissions from 2 submitters: Likely benign (2). Last evaluated 2026-01-27.

Conditions:
TMEM67-related disorder. Also called: TMEM67-related condition; TMEM67-related disorders. Identifiers: MedGen CN239423.
Joubert syndrome. Also called: JOUBERT-BOLTSHAUSER SYNDROME; Familial aplasia of the vermis. Identifiers: Orphanet 475, MedGen C5979921, MONDO:0018772.
Meckel-Gruber syndrome. Also called: DYSENCEPHALIA SPLANCHNOCYSTICA; GRUBER SYNDROME; Dysencephalia splachnocystica. Identifiers: Orphanet 564, MedGen C0265215, MONDO:0018921.

Allele frequency attached by ClinVar (database versions not stated): gnomAD exomes below 0.00001.
gnomAD v4.1: 2 of 1,612,440 alleles (0.00012%); highest among the groups gnomAD compares: Admixed American, 0.0017%; no homozygotes.

Submissions (2):

PreventionGenetics, part of Exact Sciences
Classification: Likely benign for TMEM67-related condition. Last evaluated: 2026-01-27. Review status: criteria provided, single submitter. Criteria: ACMG Guidelines, 2015. Collection method: clinical testing. Allele origin: germline.
Comment: This variant is classified as likely benign based on ACMG/AMP sequence variant interpretation guidelines (Richards et al. 2015 PMID: 25741868, with internal and published modifications).

Labcorp Genetics (formerly Invitae), Labcorp
Classification: Likely benign for Joubert syndrome; Meckel-Gruber syndrome. Last evaluated: 2023-08-19. Review status: criteria provided, single submitter. Criteria: Invitae Variant Classification Sherloc (09022015). Collection method: clinical testing. Allele origin: germline.

NM_153704.6(TMEM67):c.2898A>G (p.Leu966=)

Gene: TMEM67 (transmembrane protein 67; plus strand). Cytogenetic location: 8q22.1.
Variant type: single nucleotide variant.
Coding change: c.2898A>G on transcript NM_153704.6 (MANE Select); coding-DNA position 2898, A replaced by G.
Protein change: p.Leu966=; no amino-acid change (leucine 966 retained).
Molecular consequence: synonymous variant. On other transcripts: non-coding transcript variant (1).
Genome position (GRCh38, 1-based): chr8:93,815,438, A>G. VCF-style: chr8-93815438-A-G. GRCh37 (hg19) VCF-style: chr8-94827666-A-G.
Other names: c.2655A>G, p.Leu885= (NM_001142301.1).
Identifiers: ClinVar variation 2109287 (VCV002109287.5), dbSNP rs1428039430, ClinGen allele CA461868714.